The following is an entry in ClinVar:

ClinVar aggregate classification (germline): Conflicting classifications of pathogenicity. Review status: criteria provided, conflicting classifications (1 of 4 stars). 13 submissions from 13 submitters: Uncertain significance (6); Likely benign (2). 5 of the submissions do not count toward it. Last evaluated 2026-06-29.

Conditions:
ACTN2-related disorder. Also called: ACTN2 related condition; ACTN2-related disorders.
Cardiovascular phenotype. Identifiers: MedGen CN230736.
Primary familial hypertrophic cardiomyopathy (HCM). Identifiers: Orphanet 99739, MedGen C0949658, MeSH D024741, MONDO:0024573. Inheritance: Various modes of inheritance.
Dilated cardiomyopathy 1AA (CMD1AA). Also called: CARDIOMYOPATHY, DILATED, 1AA, WITH OR WITHOUT LEFT VENTRICULAR NONCOMPACTION; CARDIOMYOPATHY, FAMILIAL HYPERTROPHIC, 23, WITH OR WITHOUT LEFT VENTRICULAR NONCOMPACTION; Cardiomyopathy, dilated, 1AA, with or without LVNC. Identifiers: Orphanet 154, MedGen C2677338, MONDO:0012808, OMIM 612158.
Cardiomyopathy (CMYO). Also called: Cardiomyopathies. Identifiers: Orphanet 167848, MedGen C0878544, MONDO:0004994, HP:0001638. Inheritance: Various modes of inheritance.

Allele frequency attached by ClinVar (database versions not stated): TOPMed 0.00002; gnomAD 0.00003; ExAC 0.00004; gnomAD exomes 0.00007; 1000 Genomes Project 30x 0.00016; 1000 Genomes Project 0.00020.
gnomAD v4.1: 40 of 1,613,280 alleles (0.0025%); highest among the groups gnomAD compares: East Asian, 0.031%; no homozygotes.

Submissions (13):

PreventionGenetics, part of Exact Sciences
Classification: Uncertain significance for ACTN2-related condition. Last evaluated: 2026-06-29. Review status: criteria provided, single submitter. Criteria: ACMG Guidelines, 2015. Collection method: clinical testing. Allele origin: germline.
Comment: The ACTN2 c.1162T>A variant is predicted to result in the amino acid substitution p.Trp388Arg. This variant has been reported in individuals with hypertrophic cardiomyopathy or noncompaction cardiomyopathy (Supplementary File 2, van Lint et al. 2019. PubMed ID: 30847666) and documented in individuals from a sudden unexplained nocturnal death syndrome cohort (Zhang et al. 2016. PubMed ID: 27707468). This variant is reported in 0.065% of alleles in individuals of East Asian descent in gnomAD v2 (as displayed in the table above). However, in gnomAD v4 (available only on GRCh38), this variant is reported in 0.031% of alleles in individuals of East Asian descent. At this time, the clinical significance of this variant is uncertain due to the absence of conclusive functional and genetic evidence.

Labcorp Genetics (formerly Invitae), Labcorp
Classification: Likely benign for Primary familial hypertrophic cardiomyopathy; Dilated cardiomyopathy 1AA. Last evaluated: 2026-01-12. Review status: criteria provided, single submitter. Criteria: Invitae Variant Classification Sherloc (09022015). Collection method: clinical testing. Allele origin: germline.

ARUP Laboratories, Molecular Genetics and Genomics, ARUP Laboratories
Classification: Uncertain significance. Last evaluated: 2025-04-08. Review status: criteria provided, single submitter. Criteria: ARUP Molecular Germline Variant Investigation Process 2024. Collection method: clinical testing. Allele origin: germline.
Comment: The ACTN2 c.1162T>A; p.Trp388Arg variant (rs376144003, ClinVar Variation ID: 412265) is reported in the literature in two individuals affected with cardiomyopathy (van Lint 2019) and one sudden unexplained nocturnal death syndrome case (Zhang 2016); however, clinical details were limited. This variant is found in the general population with an overall allele frequency of 0.007% (19/282,696 alleles) in the Genome Aggregation Database (v2.1.1). Computational analyses are uncertain whether this variant is neutral or deleterious (REVEL: 0.692). Due to limited information, the clinical significance of this variant is uncertain at this time. References: van Lint FHM et al. Large next-generation sequencing gene panels in genetic heart disease: yield of pathogenic variants and variants of unknown significance. Neth Heart J. 2019 Jun;27(6):304-309. PMID: 30847666. Zhang L et al. Does Sudden Unexplained Nocturnal Death Syndrome Remain the Autopsy-Negative Disorder: A Gross, Microscopic, and Molecular Autopsy Investigation in Southern China. Mayo Clin Proc. 2016 Nov;91(11):1503-1514. PMID: 27707468.

Ambry Genetics
Classification: Uncertain significance for Cardiovascular phenotype. Last evaluated: 2024-03-22. Review status: criteria provided, single submitter. Criteria: Ambry Variant Classification Scheme 2023. Collection method: clinical testing. Allele origin: germline.
Comment: The p.W388R variant (also known as c.1162T>A), located in coding exon 11 of the ACTN2 gene, results from a T to A substitution at nucleotide position 1162. The tryptophan at codon 388 is replaced by arginine, an amino acid with dissimilar properties. This alteration has been reported in a sudden unexplained death cohort (Zhang L et al. Mayo Clin Proc, 2016 Nov;91:1503-1514). This variant was also detected in a cardiomyopathy/arrhythmia genetic testing cohort; however, clinical details were limited, and additional cardiac variants were detected in some cases (van Lint FHM et al. Neth Heart J, 2019 Jun;27:304-309). This amino acid position is highly conserved in available vertebrate species. In addition, this alteration is predicted to be deleterious by in silico analysis. Based on the available evidence, the clinical significance of this alteration remains unclear.

Blueprint Genetics
Classification: Likely benign. Last evaluated: 2024-03-05. Review status: criteria provided, single submitter. Criteria: ACMG Guidelines, 2015. Collection method: clinical testing. Allele origin: germline.

GeneDx
Classification: Uncertain significance. Last evaluated: 2019-07-18. Review status: criteria provided, single submitter. Criteria: GeneDx Variant Classification Process June 2021. Collection method: clinical testing. Allele origin: germline. Affected: yes.
Comment: Reported in two patients with sudden unexplained nocturnal death syndrome and classified as a variant of uncertain significance by the authors; one patient harbored an additional missense variant in the DSP gene (Zhang et al., 2016); Reported in ClinVar but additional evidence is not available (ClinVar Variant ID#412265; Landrum et al., 2016); In silico analysis, which includes protein predictors and evolutionary conservation, supports a deleterious effect; This variant is associated with the following publications: (PMID: 30847666, 22832325, 27707468)

Illumina Laboratory Services, Illumina
Classification: Uncertain significance for Dilated cardiomyopathy 1AA. Last evaluated: 2018-01-12. Review status: criteria provided, single submitter. Criteria: ICSL Variant Classification Criteria 13 December 2019. Collection method: clinical testing. Allele origin: germline.

CHEO Genetics Diagnostic Laboratory, Children's Hospital of Eastern Ontario
Classification: Uncertain significance for Cardiomyopathy. Last evaluated: 2017-03-23. Review status: criteria provided, single submitter. Criteria: ACMG Guidelines, 2015. Collection method: clinical testing. Allele origin: germline. Study: Canadian Open Genetics Repository.

Clinical Genetics DNA and cytogenetics Diagnostics Lab, Erasmus MC, Erasmus Medical Center
Classification: Uncertain significance. Review status: no assertion criteria provided. Collection method: clinical testing. Allele origin: germline. Affected: yes. Study: VKGL Data-share Consensus. Not counted in ClinVar's aggregate classification.

Clinical Genetics, Academic Medical Center
Classification: Uncertain significance. Review status: no assertion criteria provided. Collection method: clinical testing. Allele origin: germline. Affected: yes. Study: VKGL Data-share Consensus. Not counted in ClinVar's aggregate classification.

Diagnostic Laboratory, Department of Genetics, University Medical Center Groningen
Classification: Uncertain significance for Dilated cardiomyopathy 1AA. Review status: no assertion criteria provided. Collection method: clinical testing. Allele origin: germline. Affected: yes. Study: VKGL Data-share Consensus. Not counted in ClinVar's aggregate classification.

Genome Diagnostics Laboratory, University Medical Center Utrecht
Classification: Uncertain significance. Review status: no assertion criteria provided. Collection method: clinical testing. Allele origin: germline. Affected: yes. Study: VKGL Data-share Consensus. Not counted in ClinVar's aggregate classification.

Joint Genome Diagnostic Labs from Nijmegen and Maastricht, Radboudumc and MUMC+
Classification: Uncertain significance. Review status: no assertion criteria provided. Collection method: clinical testing. Allele origin: germline. Affected: yes. Study: VKGL Data-share Consensus. Not counted in ClinVar's aggregate classification.

Literature cited by the submitters: PubMed 27707468 (cited by Ambry Genetics); PubMed 30847666 (cited by Ambry Genetics).

NM_001103.4(ACTN2):c.1162T>A (p.Trp388Arg)

Gene: ACTN2 (actinin alpha 2; plus strand). Cytogenetic location: 1q43.
Variant type: single nucleotide variant.
Coding change: c.1162T>A on transcript NM_001103.4 (MANE Select); coding-DNA position 1162, T replaced by A.
Protein change: p.Trp388Arg; replaces tryptophan 388 with arginine.
Molecular consequence: missense variant.
Genome position (GRCh38, 1-based): chr1:236,742,950, T>A. VCF-style: chr1-236742950-T-A. GRCh37 (hg19) VCF-style: chr1-236906250-T-A.
Other names: c.1162T>A, p.Trp388Arg (NM_001278343.2); c.538T>A, p.Trp180Arg (NM_001278344.2); short protein forms W388R, W180R.
Identifiers: ClinVar variation 412265 (VCV000412265.27), dbSNP rs376144003, ClinGen allele CA1473069.